The following is an entry in ClinVar:

NM_130837.3(OPA1):c.402G>A (p.Trp134Ter)

Gene: OPA1 (OPA1 mitochondrial dynamin like GTPase; plus strand). Cytogenetic location: 3q29.
Variant type: single nucleotide variant.
Coding change: c.402G>A on transcript NM_130837.3 (MANE Select); coding-DNA position 402, G replaced by A.
Protein change: p.Trp134Ter; replaces tryptophan 134 with a stop codon.
Molecular consequence: nonsense.
Genome position (GRCh38, 1-based): chr3:193,615,724, G>A. VCF-style: chr3-193615724-G-A. GRCh37 (hg19) VCF-style: chr3-193333513-G-A.
Other names: c.30G>A, p.Trp10Ter (NM_001354663.2, NM_001354664.2); c.402G>A, p.Trp134Ter (NM_015560.3, NM_130831.3, NM_130832.3 and 4 more transcripts); short protein forms W10*, W134*.
Identifiers: ClinVar variation 3383421 (VCV003383421.2).
Genomic context (GRCh38, chr3:193,615,724, plus strand): 5'-TGTCTTTTAGACTTTTGATCAGTGGAAAGATATGATACCGGACCTTAGTGAATATAAATG[G>A]ATTGTGCCTGACATTGTGTGGGAAATTGATGAGTATATCGATTTTGGTTTGTATCATGAA-3'

ClinVar aggregate classification (germline): Likely pathogenic (1 of 4 stars; one submission).

gnomAD v4.1: 1 of 1,612,678 alleles (0.000062%); highest among the groups gnomAD compares: Non-Finnish European, 0.000085%; no homozygotes.

Submission:

Centre of Medical Genetics, University Hospital Muenster
Classification: Likely pathogenic. Last evaluated: 2024-06-07. Review status: criteria provided, single submitter. Criteria: ACMG Guidelines, 2015. Collection method: clinical testing. Allele origin: unknown. Affected: yes. Observed: 1 variant allele, 1 heterozygote.
Comment: ACMG categories: PVS1,PM2